The following is an entry in ClinVar:

NM_000038.6(APC):c.7498C>A (p.Gln2500Lys)

Gene: APC (APC regulator of Wnt signaling pathway; plus strand). Cytogenetic location: 5q22.2.
Variant type: single nucleotide variant.
Coding change: c.7498C>A on transcript NM_000038.6 (MANE Select); coding-DNA position 7498, C replaced by A.
Protein change: p.Gln2500Lys; replaces glutamine 2500 with lysine.
Molecular consequence: missense variant.
Genome position (GRCh38, 1-based): chr5:112,843,092, C>A. VCF-style: chr5-112843092-C-A. GRCh37 (hg19) VCF-style: chr5-112178789-C-A.
Other names: c.7498C>A, p.Gln2500Lys (NM_001127510.3, NM_001354895.2); c.7444C>A, p.Gln2482Lys (NM_001127511.3); c.7552C>A, p.Gln2518Lys (NM_001354896.2); c.7528C>A, p.Gln2510Lys (NM_001354897.2); c.7423C>A, p.Gln2475Lys (NM_001354898.2); c.7414C>A, p.Gln2472Lys (NM_001354899.2); c.7375C>A, p.Gln2459Lys (NM_001354900.2); c.7321C>A, p.Gln2441Lys (NM_001354901.2); and 5 more; short protein forms Q2482K, Q2500K, Q2217K, Q2340K, Q2459K, Q2399K, Q2441K, Q2510K.
Identifiers: ClinVar variation 482336 (VCV000482336.22), dbSNP rs372535376, ClinGen allele CA16037636.

ClinVar aggregate classification (germline): Uncertain significance. Review status: criteria provided, multiple submitters, no conflicts (2 of 4 stars). 5 submissions from 5 submitters: Uncertain significance (3). 2 of the submissions do not count toward it. Last evaluated 2025-11-11.

Conditions:
Hereditary cancer-predisposing syndrome. Also called: Neoplastic Syndromes, Hereditary; Tumor predisposition; Hereditary Cancer Syndrome; Hereditary neoplastic syndrome. Identifiers: Orphanet 140162, MedGen C0027672, MeSH D009386, MONDO:0015356.
Familial adenomatous polyposis 1 (FAP1). Also called: FAMILIAL ADENOMATOUS POLYPOSIS 1, ATTENUATED; POLYPOSIS, ADENOMATOUS INTESTINAL. Identifiers: MedGen C2713442, MONDO:0021056, OMIM 175100. Disease mechanism: loss of function.

gnomAD v4.1: 6 of 1,614,060 alleles (0.00037%); highest among the groups gnomAD compares: Non-Finnish European, 0.00051%; no homozygotes.

Submissions (5):

Labcorp Genetics (formerly Invitae), Labcorp
Classification: Uncertain significance for Familial adenomatous polyposis 1. Last evaluated: 2025-11-11. Review status: criteria provided, single submitter. Criteria: Invitae Variant Classification Sherloc (09022015). Collection method: clinical testing. Allele origin: germline.
Comment: This sequence change replaces glutamine, which is neutral and polar, with lysine, which is basic and polar, at codon 2500 of the APC protein (p.Gln2500Lys). This variant is not present in population databases (gnomAD no frequency). This variant has not been reported in the literature in individuals affected with APC-related conditions. ClinVar contains an entry for this variant (Variation ID: 482336). Invitae Evidence Modeling of protein sequence and biophysical properties (such as structural, functional, and spatial information, amino acid conservation, physicochemical variation, residue mobility, and thermodynamic stability) indicates that this missense variant is not expected to disrupt APC protein function with a negative predictive value of 95%. In summary, the available evidence is currently insufficient to determine the role of this variant in disease. Therefore, it has been classified as a Variant of Uncertain Significance.

Color Diagnostics, LLC DBA Color Health
Classification: Uncertain significance for Hereditary cancer-predisposing syndrome. Last evaluated: 2025-06-19. Review status: criteria provided, single submitter. Criteria: ACMG Guidelines, 2015. Collection method: clinical testing. Allele origin: germline.
Comment: This missense variant replaces glutamine with lysine at codon 2500 of the APC protein. Computational prediction is inconclusive regarding the impact of this variant on protein structure and function. To our knowledge, functional studies have not been reported for this variant. This variant has not been reported in individuals affected with APC-related disorders in the literature. This variant has not been identified in the general population by the Genome Aggregation Database (gnomAD). The available evidence is insufficient to determine the role of this variant in disease conclusively. Therefore, this variant is classified as a Variant of Uncertain Significance.

Ambry Genetics
Classification: Uncertain significance for Hereditary cancer-predisposing syndrome. Last evaluated: 2025-03-04. Review status: criteria provided, single submitter. Criteria: Ambry Variant Classification Scheme 2023. Collection method: clinical testing. Allele origin: germline.
Comment: The p.Q2500K variant (also known as c.7498C>A), located in coding exon 15 of the APC gene, results from a C to A substitution at nucleotide position 7498. The glutamine at codon 2500 is replaced by lysine, an amino acid with similar properties. This amino acid position is highly conserved in available vertebrate species. In addition, in silico predictors for this gene do not accurately predict pathogenicity. Missense alterations in APC are not a common cause of disease (Spier I et al. Genet Med. 2024 Feb;26(2):100992). Based on the available evidence, the clinical significance of this variant remains unclear.

Clinical Genetics, Academic Medical Center
Classification: Likely benign. Review status: no assertion criteria provided. Collection method: clinical testing. Allele origin: germline. Affected: yes. Study: VKGL Data-share Consensus. Not counted in ClinVar's aggregate classification.

Diagnostic Laboratory, Department of Genetics, University Medical Center Groningen
Classification: Likely benign. Review status: no assertion criteria provided. Collection method: clinical testing. Allele origin: germline. Affected: yes. Study: VKGL Data-share Consensus. Not counted in ClinVar's aggregate classification.